The following is an entry in ClinVar:

ClinVar aggregate classification (germline): Likely benign (1 of 4 stars; one submission).

Submission:

GeneDx
Classification: Likely benign. Last evaluated: 2018-01-09. Review status: criteria provided, single submitter. Criteria: GeneDx Variant Classification (06012015). Collection method: clinical testing. Allele origin: germline. Affected: yes.
Comment: This variant is considered likely benign or benign based on one or more of the following criteria: it is a conservative change, it occurs at a poorly conserved position in the protein, it is predicted to be benign by multiple in silico algorithms, and/or has population frequency not consistent with disease.

NM_005359.6(SMAD4):c.-128+19del

Gene: SMAD4 (SMAD family member 4; plus strand). Cytogenetic location: 18q21.2.
Variant type: Deletion.
Coding change: c.-128+19del on transcript NM_005359.6 (MANE Select); 19 bases into the intron after 128 bases upstream of the start codon, one base deleted (C; older notation c.-128+19delC).
Molecular consequence: intron variant.
Genome position (GRCh38, 1-based): chr18:51,030,642, C deleted; the last of 4 consecutive C bases (chr18:51,030,639-51,030,642); deleting any one gives the same sequence. VCF-style (leftmost placement, unchanged base first): chr18-51030638-TC-T. GRCh37 (hg19) VCF-style: chr18-48557008-TC-T.
Other names: c.-128+19delC (NM_005359.5).
Identifiers: ClinVar variation 516946 (VCV000516946.1), dbSNP rs1555683797, ClinGen allele CA658799056.